The following is an entry in ClinVar:

NM_000318.3(PEX2):c.*103C>G

Gene: PEX2 (peroxisomal biogenesis factor 2; minus strand). Cytogenetic location: 8q21.13.
Variant type: single nucleotide variant.
Coding change: c.*103C>G on transcript NM_000318.3 (MANE Select); 103 bases downstream of the stop codon, C replaced by G.
Molecular consequence: 3 prime UTR variant.
Genome position (GRCh38, 1-based): chr8:76,983,158, G>C on the plus strand (C>G on the coding strand, the complement: PEX2 is on the minus strand). VCF-style: chr8-76983158-G-C. GRCh37 (hg19) VCF-style: chr8-77895394-G-C.
Other names: c.*103C>G (NM_001079867.2, NM_001172086.2, NM_001172087.2).
Identifiers: ClinVar variation 363812 (VCV000363812.5), dbSNP rs529963492, ClinGen allele CA10631629.

ClinVar aggregate classification (germline): Likely benign (1 of 4 stars; one submission).

Conditions:
Peroxisome biogenesis disorder 5A (Zellweger) (PBD5A). Identifiers: Orphanet 912, MedGen C3553940, MONDO:0013932, OMIM 614866.

Allele frequency attached by ClinVar (database versions not stated): gnomAD below 0.00001 and 0.00066; TOPMed 0.00008; gnomAD exomes 0.00115; 1000 Genomes Project 30x 0.00468; 1000 Genomes Project 0.00479.
gnomAD v4.1: 1,772 of 1,590,512 alleles (0.11%); highest among the groups gnomAD compares: South Asian, 1.8%; 30 homozygotes.

Submission:

Illumina Laboratory Services, Illumina
Classification: Likely benign for Peroxisome biogenesis disorder 5A (Zellweger). Last evaluated: 2018-01-13. Review status: criteria provided, single submitter. Criteria: ICSL Variant Classification Criteria 13 December 2019. Collection method: clinical testing. Allele origin: germline.
Comment: This variant was observed in the ICSL laboratory as part of a predisposition screen in an ostensibly healthy population. It had not been previously curated by ICSL or reported in the Human Gene Mutation Database (HGMD: prior to June 1st, 2018), and was therefore a candidate for classification through an automated scoring system. Utilizing variant allele frequency, disease prevalence and penetrance estimates, and inheritance mode, an automated score was calculated to assess if this variant is too frequent to cause the disease. Based on the score and internal cut-off values, a variant classified as likely benign is not then subjected to further curation. The score for this variant resulted in a classification of likely benign for this disease.